The following is an entry in ClinVar:

NM_024301.5(FKRP):c.544T>C (p.Tyr182His)

Gene: FKRP (fukutin related protein; plus strand). Cytogenetic location: 19q13.32.
Variant type: single nucleotide variant.
Coding change: c.544T>C on transcript NM_024301.5 (MANE Select); coding-DNA position 544, T replaced by C.
Protein change: p.Tyr182His; replaces tyrosine 182 with histidine.
Molecular consequence: missense variant.
Genome position (GRCh38, 1-based): chr19:46,755,994, T>C. VCF-style: chr19-46755994-T-C. GRCh37 (hg19) VCF-style: chr19-47259251-T-C.
Other names: c.544T>C, p.Tyr182His (NM_001039885.3); short protein forms Y182H.
Identifiers: ClinVar variation 285433 (VCV000285433.15), dbSNP rs753390261, ClinGen allele CA9532163.
Genomic context (GRCh38, chr19:46,755,994, plus strand): 5'-ACGGCCAACCCTGCCAGGTGCCTGGCCCTGAACGTCAGCCTGCGAGAGTGGACCGCCCGC[T>C]ATGGCGCAGCCCCCGCCGCGCCCCGCTGCGACGCCCTGGACGGAGATGCTGTGGTGCTCC-3'
Protein context (NP_077277.1, residues 172-192): NVSLREWTAR[Tyr182His]GAAPAAPRCD

ClinVar aggregate classification (germline): Conflicting classifications of pathogenicity. Review status: criteria provided, conflicting classifications (1 of 4 stars). 6 submissions from 6 submitters: Likely pathogenic (4); Uncertain significance (1). 1 of the submissions does not count toward it. Last evaluated 2025-08-04.

Conditions:
Walker-Warburg congenital muscular dystrophy. Also called: Muscular dystrophy-dystroglycanopathy, type A; Walker-Warburg syndrome. Identifiers: Orphanet 899, MedGen C0265221, MONDO:0000171.
Cardiovascular phenotype. Identifiers: MedGen CN230736.
Autosomal recessive limb-girdle muscular dystrophy type 2I. Also called: MUSCULAR DYSTROPHY-DYSTROGLYCANOPATHY, LIMB-GIRDLE, FRKP-RELATED; MUSCULAR DYSTROPHY-DYSTROGLYCANOPATHY (LIMB-GIRDLE), TYPE C, 5; MUSCULAR DYSTROPHY, LIMB-GIRDLE, TYPE 2I. Identifiers: Orphanet 34515, MedGen C1846672, MONDO:0011787, OMIM 607155.

Allele frequency attached by ClinVar (database versions not stated): TOPMed below 0.00001; gnomAD 0.00001; gnomAD exomes 0.00001; ExAC 0.00007.
gnomAD v4.1: 10 of 1,547,276 alleles (0.00065%); highest among the groups gnomAD compares: Non-Finnish European, 0.00017%; no homozygotes.

Submissions (6):

Natera, Inc.
Classification: Likely pathogenic for Limb-girdle muscular dystrophy type 2I. Last evaluated: 2025-08-04. Review status: criteria provided, single submitter. Criteria: Natera Variant Classification Schema (03/2026). Collection method: clinical testing. Allele origin: germline.
Comment: The c.544T>C variant in FKRP is a missense variant predicted to cause substitution of tyrosine to histidine at amino acid 182. This variant is rare in the general population with a frequency below the threshold expected for the associated phenotype(s). This variant has been observed in one or more individuals affected with the associated recessive disease, as either homozygous or compound heterozygous with a second variant (PMID: 30060766). A different variant at the same position has been determined to be Pathogenic or Likely Pathogenic. Computational prediction algorithms indicate this variant is likely to affect gene or protein function. Given the available evidence, this variant is classified as Likely Pathogenic.

Revvity Omics, Revvity
Classification: Likely pathogenic. Last evaluated: 2025-01-16. Review status: criteria provided, single submitter. Criteria: ACMG Guidelines, 2015. Collection method: clinical testing. Allele origin: germline.

Labcorp Genetics (formerly Invitae), Labcorp
Classification: Likely pathogenic for Walker-Warburg congenital muscular dystrophy. Last evaluated: 2024-11-13. Review status: criteria provided, single submitter. Criteria: Invitae Variant Classification Sherloc (09022015). Collection method: clinical testing. Allele origin: germline.
Comment: This sequence change replaces tyrosine, which is neutral and polar, with histidine, which is basic and polar, at codon 182 of the FKRP protein (p.Tyr182His). This variant is present in population databases (rs753390261, gnomAD 0.02%). This missense change has been observed in individual(s) with clinical features of limb-girdle muscular dystrophy (PMID: 28688748, 30060766). ClinVar contains an entry for this variant (Variation ID: 285433). Invitae Evidence Modeling of protein sequence and biophysical properties (such as structural, functional, and spatial information, amino acid conservation, physicochemical variation, residue mobility, and thermodynamic stability) indicates that this missense variant is expected to disrupt FKRP protein function with a positive predictive value of 95%. This variant disrupts the p.Tyr182Cys amino acid residue in FKRP. Other variant(s) that disrupt this residue have been determined to be pathogenic (PMID: 14647208, 27439679, 28931339, 30003095). This suggests that this residue is clinically significant, and that variants that disrupt this residue are likely to be disease-causing. In summary, the currently available evidence indicates that the variant is pathogenic, but additional data are needed to prove that conclusively. Therefore, this variant has been classified as Likely Pathogenic.

Ambry Genetics
Classification: Likely pathogenic for Cardiovascular phenotype. Last evaluated: 2021-12-13. Review status: criteria provided, single submitter. Criteria: Ambry Variant Classification Scheme 2023. Collection method: clinical testing. Allele origin: germline.
Comment: The p.Y182H variant (also known as c.544T>C), located in coding exon 1 of the FKRP gene, results from a T to C substitution at nucleotide position 544. The tyrosine at codon 182 is replaced by histidine, an amino acid with similar properties. This variant has been identified in patients with limb-girdle muscular dystrophy (LGMD) in both the homozygous and compound heterozygous states (Sframeli M et al. Neuromuscul Disord, 2017 Sep;27:793-803; Johnson K et al. Skelet Muscle, 2018 07;8:23). This variant is considered to be rare based on population cohorts in the Genome Aggregation Database (gnomAD). This amino acid position is highly conserved in available vertebrate species. In addition, this alteration is predicted to be deleterious by in silico analysis. Based on the majority of available evidence to date, this variant is likely to be pathogenic.

Eurofins Ntd Llc (ga)
Classification: Uncertain significance. Last evaluated: 2016-01-04. Review status: criteria provided, single submitter. Criteria: EGL Classification Definitions 2015. Collection method: clinical testing. Allele origin: germline. Observed: 1 variant allele, 1 heterozygote.

Counsyl
Classification: Uncertain significance for Autosomal recessive limb-girdle muscular dystrophy type 2I. Last evaluated: 2018-04-06. Review status: no assertion criteria provided. Collection method: clinical testing. Allele origin: unknown. Not counted in ClinVar's aggregate classification.

Literature cited by the submitters: PubMed 30060766 (cited by 3 submitters); PubMed 28688748 (cited by 3 submitters); PubMed 14647208 (cited by Labcorp Genetics (formerly Invitae), Labcorp); PubMed 27439679 (cited by Labcorp Genetics (formerly Invitae), Labcorp); PubMed 28931339 (cited by Labcorp Genetics (formerly Invitae), Labcorp); PubMed 30003095 (cited by Labcorp Genetics (formerly Invitae), Labcorp).